The following is an entry in ClinVar:

ClinVar aggregate classification (germline): Conflicting classifications of pathogenicity. Review status: criteria provided, conflicting classifications (1 of 4 stars). 4 submissions from 3 submitters: Uncertain significance (3); Likely benign (1). Last evaluated 2025-06-04.

Conditions:
Age related macular degeneration 14. Also called: MACULAR DEGENERATION, AGE-RELATED, 14, REDUCED RISK OF. Identifiers: MedGen C3809653, MONDO:0014207, OMIM 615489.
Complement component 2 deficiency (C2D). Also called: C2 deficiency. Identifiers: MedGen C0398756, MONDO:0009006, OMIM 217000.

Allele frequency attached by ClinVar (database versions not stated): gnomAD 0.00007; ExAC 0.00008; gnomAD exomes 0.00008 and 0.00010; TOPMed 0.00009.

Submissions (4):

Labcorp Genetics (formerly Invitae), Labcorp
Classification: Uncertain significance. Last evaluated: 2025-06-04. Review status: criteria provided, single submitter. Criteria: Invitae Variant Classification Sherloc (09022015). Collection method: clinical testing. Allele origin: germline.
Comment: This sequence change replaces asparagine, which is neutral and polar, with serine, which is neutral and polar, at codon 327 of the C2 protein (p.Asn327Ser). This variant is present in population databases (rs766665783, gnomAD 0.04%). This variant has not been reported in the literature in individuals affected with C2-related conditions. ClinVar contains an entry for this variant (Variation ID: 904652). An algorithm developed to predict the effect of missense changes on protein structure and function (PolyPhen-2) suggests that this variant is likely to be tolerated. In summary, the available evidence is currently insufficient to determine the role of this variant in disease. Therefore, it has been classified as a Variant of Uncertain Significance.

Ambry Genetics
Classification: Likely benign. Last evaluated: 2025-04-20. Review status: criteria provided, single submitter. Criteria: Ambry Variant Classification Scheme 2023. Collection method: clinical testing. Allele origin: germline.

Illumina Laboratory Services, Illumina
Classification: Uncertain significance for Age related macular degeneration 14. Last evaluated: 2018-01-12. Review status: criteria provided, single submitter. Criteria: ICSL Variant Classification Criteria 13 December 2019. Collection method: clinical testing. Allele origin: germline.

Illumina Laboratory Services, Illumina
Classification: Uncertain significance for Complement component 2 deficiency. Last evaluated: 2018-01-12. Review status: criteria provided, single submitter. Criteria: ICSL Variant Classification Criteria 13 December 2019. Collection method: clinical testing. Allele origin: germline.

NM_000063.6(C2):c.980A>G (p.Asn327Ser)

Genes: C2 (complement C2; plus strand), C2-AS1 (C2 antisense RNA 1; minus strand). Cytogenetic location: 6p21.33.
Variant type: single nucleotide variant.
Coding change: c.980A>G on transcript NM_000063.6 (MANE Select); coding-DNA position 980, A replaced by G.
Protein change: p.Asn327Ser; replaces asparagine 327 with serine.
Molecular consequence: missense variant. On other transcripts: intron variant (1).
Genome position (GRCh38, 1-based): chr6:31,936,053, A>G. VCF-style: chr6-31936053-A-G. GRCh37 (hg19) VCF-style: chr6-31903830-A-G.
Other names: c.584A>G, p.Asn195Ser (NM_001145903.3); c.242A>G, p.Asn81Ser (NM_001282457.2); c.893A>G, p.Asn298Ser (NM_001282458.2); c.347-1266A>G (NM_001178063.3); short protein forms N298S, N327S, N195S, N81S.
Identifiers: ClinVar variation 904652 (VCV000904652.8), dbSNP rs766665783, ClinGen allele CA3727579.